The following is an entry in ClinVar:

ClinVar aggregate classification (germline): Uncertain significance. Review status: criteria provided, single submitter (1 of 4 stars). 2 submissions from 2 submitters: Uncertain significance (1). 1 of the submissions does not count toward it. Last evaluated 2025-06-10.

Conditions:
Neurofibromatosis, type 1 (NF1). Also called: VON RECKLINGHAUSEN DISEASE; Neurofibromatosis, type I; NEUROFIBROMATOSIS, TYPE I, SOMATIC; Peripheral type neurofibromatosis. Identifiers: Orphanet 636, MedGen C0027831, MONDO:0018975, OMIM 162200. Disease mechanism: loss of function.

Allele frequency attached by ClinVar (database versions not stated): ExAC 0.00001; gnomAD exomes 0.00001; gnomAD 0.00002.
gnomAD v4.1: 14 of 1,613,100 alleles (0.00087%); highest among the groups gnomAD compares: Non-Finnish European, 0.0012%; no homozygotes.

Submissions (2):

Ambry Genetics
Classification: Uncertain significance. Last evaluated: 2025-06-10. Review status: criteria provided, single submitter. Criteria: Ambry Variant Classification Scheme 2023. Collection method: clinical testing. Allele origin: germline.

Diagnostics Centre, Carl Von Ossietzky University Oldenburg
Classification: Uncertain significance for Neurofibromatosis, type 1. Last evaluated: 2023-10-19. Review status: no assertion criteria provided. Collection method: clinical testing. Allele origin: germline. Affected: yes. Observed: 1 variant allele. Not counted in ClinVar's aggregate classification.
Comment: The variant DCAF8:c.1679G>A, p.(Arg560His), which is located in the coding exon 14 of the DCAF8 gene, results from a guanine to adenine substitution at nucleotide position c.1679. The arginine at the protein position 560 is replaced by a histidine. This amino acid position is not located in a known functional domain of the protein. However, the DCAF8 gene shows an overall intolerance to missense changes (Z-score = 3.15). The variant is classified as rare in the overall population (allele frequency= 0.000008679 in gnomAD v4.1.0). In addition, in silico tools predict that this variant is tolerable (REVEL = 0.099). In summary, this variant is classified as a variant of unclear significance.

NM_015726.4(DCAF8):c.1679G>A (p.Arg560His)

Gene: DCAF8 (DDB1 and CUL4 associated factor 8; minus strand). Cytogenetic location: 1q23.2.
Variant type: single nucleotide variant.
Coding change: c.1679G>A on transcript NM_015726.4 (MANE Select); coding-DNA position 1679, G replaced by A.
Protein change: p.Arg560His; replaces arginine 560 with histidine.
Molecular consequence: missense variant. On other transcripts: non-coding transcript variant (2).
Genome position (GRCh38, 1-based): chr1:160,217,707, C>T on the plus strand (G>A on the coding strand, the complement: DCAF8 is on the minus strand). VCF-style: chr1-160217707-C-T. GRCh37 (hg19) VCF-style: chr1-160187497-C-T.
Other names: c.1679G>A (NM_015726.3); short protein forms R560H.
Identifiers: ClinVar variation 3238653 (VCV003238653.3), dbSNP rs745507749.
Genomic context (GRCh38, chr1:160,217,707, plus strand): 5'-GAGGAGCTGGGAGACTCATCAGAGTCCGCGTCTGTGGCCCCAACCCCAGGTTCTCGCCAG[C>T]GCTGTGGATGGGAAAGGCTTGTTAGTAACTTCCCTGGATGGAACAAGGACAAGCCTGTTA-3'
Protein context (NP_056541.2, residues 550-570): HHLRQRRHHR[Arg560His]WREPGVGATD